The following is an entry in ClinVar:

NM_012233.3(RAB3GAP1):c.671C>T (p.Pro224Leu)

Gene: RAB3GAP1 (RAB3 GTPase activating protein catalytic subunit 1; plus strand). Cytogenetic location: 2q21.3.
Variant type: single nucleotide variant.
Coding change: c.671C>T on transcript NM_012233.3 (MANE Select); coding-DNA position 671, C replaced by T.
Protein change: p.Pro224Leu; replaces proline 224 with leucine.
Molecular consequence: missense variant.
Genome position (GRCh38, 1-based): chr2:135,120,841, C>T. VCF-style: chr2-135120841-C-T. GRCh37 (hg19) VCF-style: chr2-135878411-C-T.
Other names: c.671C>T, p.Pro224Leu (NM_001172435.2); short protein forms P224L.
Identifiers: ClinVar variation 2427810 (VCV002427810.6), dbSNP rs1691175894, ClinGen allele CA348567815.

ClinVar aggregate classification (germline): Uncertain significance (1 of 4 stars; one submission).

Allele frequency attached by ClinVar (database versions not stated): gnomAD exomes below 0.00001.
gnomAD v4.1: 3 of 1,612,270 alleles (0.00019%); highest among the groups gnomAD compares: Non-Finnish European, 0.00025%; no homozygotes.

Submission:

Labcorp Genetics (formerly Invitae), Labcorp
Classification: Uncertain significance. Last evaluated: 2022-07-15. Review status: criteria provided, single submitter. Criteria: Invitae Variant Classification Sherloc (09022015). Collection method: clinical testing. Allele origin: germline.
Comment: Algorithms developed to predict the effect of missense changes on protein structure and function are either unavailable or do not agree on the potential impact of this missense change (SIFT: "Deleterious"; PolyPhen-2: "Probably Damaging"; Align-GVGD: "Class C0"). In summary, the available evidence is currently insufficient to determine the role of this variant in disease. Therefore, it has been classified as a Variant of Uncertain Significance. This variant has not been reported in the literature in individuals affected with RAB3GAP1-related conditions. This variant is not present in population databases (gnomAD no frequency). This sequence change replaces proline, which is neutral and non-polar, with leucine, which is neutral and non-polar, at codon 224 of the RAB3GAP1 protein (p.Pro224Leu).